The following is an entry in ClinVar:

NM_001077415.3(CRELD1):c.535G>A (p.Gly179Arg)

Gene: CRELD1 (cysteine rich with EGF like domains 1; plus strand). Cytogenetic location: 3p25.3.
Variant type: single nucleotide variant.
Coding change: c.535G>A on transcript NM_001077415.3 (MANE Select); coding-DNA position 535, G replaced by A.
Protein change: p.Gly179Arg; replaces glycine 179 with arginine.
Molecular consequence: missense variant. On other transcripts: non-coding transcript variant (3).
Genome position (GRCh38, 1-based): chr3:9,940,924, G>A. VCF-style: chr3-9940924-G-A. GRCh37 (hg19) VCF-style: chr3-9982608-G-A.
Other names: c.535G>A, p.Gly179Arg (NM_001031717.4, NM_001374316.1, NM_001374317.1 and 5 more transcripts); short protein forms G179R.
Identifiers: ClinVar variation 3353439 (VCV003353439.1).
Genomic context (GRCh38, chr3:9,940,924, plus strand): 5'-ACAGAGAGGCCCTGCGGTGGCTACGGGCAGTGTGAAGGAGAAGGGACACGAGGGGGCAGC[G>A]GGCACTGTGACTGCCAAGCCGGCTACGGGGGTGAGGCCTGTGGCCAGTGTGGCCTTGGCT-3'
Protein context (NP_001070883.2, residues 169-189): CEGEGTRGGS[Gly179Arg]HCDCQAGYGG

ClinVar aggregate classification (germline): Uncertain significance (0 of 4 stars; one submission).

Conditions:
CRELD1-related disorder. Also called: CRELD1-related condition.

gnomAD v4.1: 18 of 1,613,994 alleles (0.0011%); highest among the groups gnomAD compares: Admixed American, 0.005%; no homozygotes.

Submission:

PreventionGenetics, part of Exact Sciences
Classification: Uncertain significance for CRELD1-related condition. Last evaluated: 2024-07-03. Review status: no assertion criteria provided. Collection method: clinical testing. Allele origin: germline.
Comment: The CRELD1 c.535G>A variant is predicted to result in the amino acid substitution p.Gly179Arg. To our knowledge, this variant has not been reported in the literature. This variant is reported in 0.0058% of alleles in individuals of Latino descent in gnomAD. At this time, the clinical significance of this variant is uncertain due to the absence of conclusive functional and genetic evidence.